The following is an entry in ClinVar:

NM_000143.4(FH):c.1328_1331dup (p.Ile445fs)

Gene: FH (fumarate hydratase; minus strand). Cytogenetic location: 1q43.
Variant type: Duplication.
Coding change: c.1328_1331dup on transcript NM_000143.4 (MANE Select); coding-DNA positions 1328 to 1331, 4 bases duplicated (AAAG; older notation c.1328_1331dupAAAG).
Protein change: p.Ile445fs; shifts the reading frame from isoleucine 445.
Molecular consequence: frameshift variant.
Genome position (GRCh38, 1-based): chr1:241,500,496-241,500,499, CTTT duplicated on the plus strand (AAAG on the coding strand, the reverse complement: FH is on the minus strand); duplicating any 4 consecutive bases within chr1:241,500,496-241,500,501 gives the same sequence; the c. name uses the placement nearest the transcript's 3' end. VCF-style (leftmost placement, unchanged base first): chr1-241500495-C-CCTTT. GRCh37 (hg19) VCF-style: chr1-241663795-C-CCTTT.
Other names: c.1328_1331dupAAAG (NM_000143.3); short protein forms I445fs.
Identifiers: ClinVar variation 662311 (VCV000662311.9), dbSNP rs1573878004, ClinGen allele CA915942095.

ClinVar aggregate classification (germline): Pathogenic (1 of 4 stars; one submission).

Submission:

Labcorp Genetics (formerly Invitae), Labcorp
Classification: Pathogenic. Last evaluated: 2024-04-29. Review status: criteria provided, single submitter. Criteria: Invitae Variant Classification Sherloc (09022015). Collection method: clinical testing. Allele origin: germline.
Comment: This sequence change creates a premature translational stop signal (p.Ile445Lysfs*8) in the FH gene. While this is not anticipated to result in nonsense mediated decay, it is expected to disrupt the last 66 amino acid(s) of the FH protein. This variant is not present in population databases (gnomAD no frequency). This variant has not been reported in the literature in individuals affected with FH-related conditions. ClinVar contains an entry for this variant (Variation ID: 662311). This variant disrupts a region of the FH protein in which other variant(s) (p.Gly490Alafs*12, p.Ser480Lysfs*6, p.Trp500*, p.Glu495Valfs*2, p.Leu492Hisfs*6) have been determined to be pathogenic (PMID: 9635293, 12772087, 16597677, 21398687, 21404119; Invitae). This suggests that this is a clinically significant region of the protein, and that variants that disrupt it are likely to be disease-causing. For these reasons, this variant has been classified as Pathogenic.

Literature cited by the submitters: PubMed 9635293; PubMed 12772087; PubMed 16597677; PubMed 21398687; PubMed 21404119.